The following is an entry in ClinVar:

NM_001184.4(ATR):c.3955A>G (p.Ile1319Val)

Gene: ATR (ATR checkpoint kinase; minus strand). Cytogenetic location: 3q23.
Variant type: single nucleotide variant.
Coding change: c.3955A>G on transcript NM_001184.4 (MANE Select); coding-DNA position 3955, A replaced by G.
Protein change: p.Ile1319Val; replaces isoleucine 1319 with valine.
Molecular consequence: missense variant.
Genome position (GRCh38, 1-based): chr3:142,524,190, T>C on the plus strand (A>G on the coding strand, the complement: ATR is on the minus strand). VCF-style: chr3-142524190-T-C. GRCh37 (hg19) VCF-style: chr3-142243032-T-C.
Other names: c.3763A>G, p.Ile1255Val (NM_001354579.2); short protein forms I1255V, I1319V.
Identifiers: ClinVar variation 1448129 (VCV001448129.8), dbSNP rs1401271172, ClinGen allele CA354802897.

ClinVar aggregate classification (germline): Uncertain significance. Review status: criteria provided, multiple submitters, no conflicts (2 of 4 stars). 4 submissions from 3 submitters: Uncertain significance (4). Last evaluated 2024-11-03.

Conditions:
Seckel syndrome 1 (SCKL1). Also called: MICROCEPHALIC PRIMORDIAL DWARFISM I. Identifiers: Orphanet 808, MedGen C4551474, MONDO:0008869, OMIM 210600.
Inborn genetic diseases. Identifiers: MedGen C0950123, MeSH D030342.
Familial cutaneous telangiectasia and oropharyngeal predisposition cancer syndrome. Identifiers: Orphanet 313846, MedGen C3281203, MONDO:0013806, OMIM 614564.

Allele frequency attached by ClinVar (database versions not stated): gnomAD exomes below 0.00001; TOPMed 0.00002; gnomAD 0.00003 and 0.00004.
gnomAD v4.1: 8 of 1,612,762 alleles (0.0005%); highest among the groups gnomAD compares: Middle Eastern, 0.016%; no homozygotes.

Submissions (4):

Ambry Genetics
Classification: Uncertain significance for Inborn genetic diseases. Last evaluated: 2024-11-03. Review status: criteria provided, single submitter. Criteria: Ambry Variant Classification Scheme 2023. Collection method: clinical testing. Allele origin: germline.
Comment: The p.I1319V variant (also known as c.3955A>G), located in coding exon 22 of the ATR gene, results from an A to G substitution at nucleotide position 3955. The isoleucine at codon 1319 is replaced by valine, an amino acid with highly similar properties. This amino acid position is conserved. In addition, this alteration is predicted to be tolerated by in silico analysis. Since supporting evidence is limited at this time, the clinical significance of this alteration remains unclear.

Labcorp Genetics (formerly Invitae), Labcorp
Classification: Uncertain significance. Last evaluated: 2023-12-18. Review status: criteria provided, single submitter. Criteria: Invitae Variant Classification Sherloc (09022015). Collection method: clinical testing. Allele origin: germline.
Comment: This sequence change replaces isoleucine, which is neutral and non-polar, with valine, which is neutral and non-polar, at codon 1319 of the ATR protein (p.Ile1319Val). This variant is present in population databases (no rsID available, gnomAD 0.01%). This variant has not been reported in the literature in individuals affected with ATR-related conditions. ClinVar contains an entry for this variant (Variation ID: 1448129). An algorithm developed to predict the effect of missense changes on protein structure and function (PolyPhen-2) suggests that this variant¬†is likely to be tolerated. In summary, the available evidence is currently insufficient to determine the role of this variant in disease. Therefore, it has been classified as a Variant of Uncertain Significance.

Genome-Nilou Lab
Classification: Uncertain significance for Seckel syndrome 1. Last evaluated: 2023-02-08. Review status: criteria provided, single submitter. Criteria: ACMG Guidelines, 2015. Collection method: clinical testing. Allele origin: germline.

Genome-Nilou Lab
Classification: Uncertain significance for Familial cutaneous telangiectasia and oropharyngeal predisposition cancer syndrome. Last evaluated: 2023-02-08. Review status: criteria provided, single submitter. Criteria: ACMG Guidelines, 2015. Collection method: clinical testing. Allele origin: germline.